The following is an entry in ClinVar:

ClinVar aggregate classification (germline): Uncertain significance. Review status: criteria provided, multiple submitters, no conflicts (2 of 4 stars). 3 submissions from 3 submitters: Uncertain significance (3). Last evaluated 2024-04-22.

Conditions:
Shukla-Vernon syndrome. Identifiers: MedGen C5193146, MONDO:0026727, OMIM 301029.

Allele frequency attached by ClinVar (database versions not stated): gnomAD exomes below 0.00001.
gnomAD v4.1: 4 of 1,211,967 alleles (0.00033%); highest among the groups gnomAD compares: South Asian, 0.0018%; no homozygotes.

Submissions (3):

Labcorp Genetics (formerly Invitae), Labcorp
Classification: Uncertain significance. Last evaluated: 2024-04-22. Review status: criteria provided, single submitter. Criteria: Invitae Variant Classification Sherloc (09022015). Collection method: clinical testing. Allele origin: germline.
Comment: This sequence change replaces arginine, which is basic and polar, with glutamine, which is neutral and polar, at codon 1642 of the BCORL1 protein (p.Arg1642Gln). This variant is not present in population databases (gnomAD no frequency). This variant has not been reported in the literature in individuals affected with BCORL1-related conditions. ClinVar contains an entry for this variant (Variation ID: 381960). An algorithm developed to predict the effect of missense changes on protein structure and function (PolyPhen-2) suggests that this variant is likely to be disruptive. In summary, the available evidence is currently insufficient to determine the role of this variant in disease. Therefore, it has been classified as a Variant of Uncertain Significance.

GeneDx
Classification: Uncertain significance. Last evaluated: 2021-06-22. Review status: criteria provided, single submitter. Criteria: GeneDx Variant Classification Process June 2021. Collection method: clinical testing. Allele origin: germline. Affected: yes.
Comment: Not observed at significant frequency in large population cohorts (Lek et al., 2016); In silico analysis supports that this missense variant does not alter protein structure/function; Has not been previously published as pathogenic or benign to our knowledge; This variant is associated with the following publications: (PMID: 27535533)

Baylor Genetics
Classification: Uncertain significance for Shukla-Vernon syndrome. Last evaluated: 2020-02-05. Review status: criteria provided, single submitter. Criteria: ACMG Guidelines, 2015. Collection method: clinical testing. Allele origin: unknown. Affected: yes.
Comment: This variant was determined to be of uncertain significance according to ACMG Guidelines, 2015 [PMID:25741868].

NM_001379451.1(BCORL1):c.5147G>A (p.Arg1716Gln)

Gene: BCORL1 (BCL6 corepressor like 1; plus strand). Cytogenetic location: Xq26.1.
Variant type: single nucleotide variant.
Coding change: c.5147G>A on transcript NM_001379451.1 (MANE Select); coding-DNA position 5147, G replaced by A.
Protein change: p.Arg1716Gln; replaces arginine 1716 with glutamine.
Molecular consequence: missense variant.
Genome position (GRCh38, 1-based): chrX:130,055,925, G>A. VCF-style: chrX-130055925-G-A. GRCh37 (hg19) VCF-style: chrX-129189900-G-A.
Other names: c.5147G>A, p.Arg1716Gln (NM_001184772.3, NM_001379450.1); c.4925G>A, p.Arg1642Gln (NM_021946.5); short protein forms R1642Q, R1716Q.
Identifiers: ClinVar variation 381960 (VCV000381960.8), dbSNP rs1057521222, ClinGen allele CA16608693.